The following is an entry in ClinVar:

NM_006947.4(SRP72):c.450C>A (p.Asn150Lys)

Gene: SRP72 (signal recognition particle 72; plus strand). Cytogenetic location: 4q12.
Variant type: single nucleotide variant.
Coding change: c.450C>A on transcript NM_006947.4 (MANE Select); coding-DNA position 450, C replaced by A.
Protein change: p.Asn150Lys; replaces asparagine 150 with lysine.
Molecular consequence: missense variant. On other transcripts: non-coding transcript variant (1).
Genome position (GRCh38, 1-based): chr4:56,474,149, C>A. VCF-style: chr4-56474149-C-A. GRCh37 (hg19) VCF-style: chr4-57340315-C-A.
Other names: c.450C>A, p.Asn150Lys (NM_001267722.2); short protein forms N150K.
Identifiers: ClinVar variation 3801487 (VCV003801487.1).

ClinVar aggregate classification (germline): Uncertain significance (1 of 4 stars; one submission).

gnomAD v4.1: 1 of 1,614,190 alleles (0.000062%); highest among the groups gnomAD compares: Non-Finnish European, 0.000085%; no homozygotes.

Submission:

Ambry Genetics
Classification: Uncertain significance. Last evaluated: 2025-02-14. Review status: criteria provided, single submitter. Criteria: Ambry Variant Classification Scheme 2023. Collection method: clinical testing. Allele origin: germline.
Comment: The p.N150K variant (also known as c.450C>A), located in coding exon 4 of the SRP72 gene, results from a C to A substitution at nucleotide position 450. The asparagine at codon 150 is replaced by lysine, an amino acid with similar properties. This amino acid position is conserved. In addition, the in silico prediction for this alteration is inconclusive. Based on the available evidence, the clinical significance of this variant remains unclear.